The following is an entry in ClinVar:

NM_001267550.2(TTN):c.44969del (p.Ile14990fs)

Genes: TTN (titin; minus strand), LOC126806427 (BRD4-independent group 4 enhancer GRCh37_chr2:179485777-179486976; plus strand). Cytogenetic location: 2q31.2.
Variant type: Deletion.
Coding change: c.44969del on transcript NM_001267550.2 (MANE Select); coding-DNA position 44969, one base deleted (T; older notation c.44969delT).
Protein change: p.Ile14990fs; shifts the reading frame from isoleucine 14990.
Molecular consequence: frameshift variant.
Genome position (GRCh38, 1-based): chr2:178,621,953, A deleted on the plus strand (T on the coding strand, the reverse complement: TTN is on the minus strand). VCF-style (leftmost placement, unchanged base first): chr2-178621952-TA-T. GRCh37 (hg19) VCF-style: chr2-179486679-TA-T.
Other names: c.40046del, p.Ile13349fs (NM_001256850.1); c.17774del, p.Ile5925fs (NM_003319.4); c.37265del, p.Ile12422fs (NM_133378.4); c.18149del, p.Ile6050fs (NM_133432.3); c.18350del, p.Ile6117fs (NM_133437.4); short protein forms I13349fs, I12422fs, I14990fs, I5925fs, I6050fs, I6117fs.
Identifiers: ClinVar variation 1407054 (VCV001407054.8), dbSNP rs2154212465, ClinGen allele CA2573133836.

ClinVar aggregate classification (germline): Likely pathogenic (1 of 4 stars; one submission).

Conditions:
Autosomal recessive limb-girdle muscular dystrophy type 2J (LGMDR10). Also called: MUSCULAR DYSTROPHY, LIMB-GIRDLE, AUTOSOMAL RECESSIVE 10; Limb-girdle muscular dystrophy, type 2J. Identifiers: Orphanet 140922, MedGen C1837342, MONDO:0012127, OMIM 608807.
Dilated cardiomyopathy 1G (CMD1G). Identifiers: Orphanet 154, MedGen C1858763, MONDO:0011400, OMIM 604145.

Submission:

Labcorp Genetics (formerly Invitae), Labcorp
Classification: Likely pathogenic for Dilated cardiomyopathy 1G; Autosomal recessive limb-girdle muscular dystrophy type 2J. Last evaluated: 2024-10-18. Review status: criteria provided, single submitter. Criteria: Invitae Variant Classification Sherloc (09022015). Collection method: clinical testing. Allele origin: germline.
Comment: This sequence change creates a premature translational stop signal (p.Ile14990Asnfs*26) in the TTN gene. While this is not anticipated to result in nonsense mediated decay, it is expected to create a truncated TTN protein. This variant is not present in population databases (gnomAD no frequency). This variant has not been reported in the literature in individuals affected with TTN-related conditions. ClinVar contains an entry for this variant (Variation ID: 1407054). This variant is located in the I band of TTN (PMID: 25589632). Truncating variants in this region have been reported in individuals affected with autosomal recessive centronuclear myopathy (PMID: 23975875, internal data). Truncating variants in this region have also been identified in individuals affected with autosomal dominant dilated cardiomyopathy and/or cardio-related conditions (PMID: 27869827, 32964742, internal data). In summary, the currently available evidence indicates that the variant is pathogenic, but additional data are needed to prove that conclusively. Therefore, this variant has been classified as Likely Pathogenic.

Literature cited by the submitters: PubMed 25589632; PubMed 23975875; PubMed 27869827; PubMed 32964742.